The following is an entry in ClinVar:

ClinVar aggregate classification (germline): Uncertain significance. Review status: criteria provided, multiple submitters, no conflicts (2 of 4 stars). 2 submissions from 2 submitters: Uncertain significance (2). Last evaluated 2022-06-29.

Conditions:
Inborn genetic diseases. Identifiers: MedGen C0950123, MeSH D030342.

Allele frequency attached by ClinVar (database versions not stated): ESP Exome Variant Server 0.00015; ExAC 0.00021; gnomAD 0.00022; 1000 Genomes Project 30x 0.00031; gnomAD exomes 0.00035; 1000 Genomes Project 0.00040.
gnomAD v4.1: 540 of 1,614,154 alleles (0.033%); highest among the groups gnomAD compares: Non-Finnish European, 0.039%; no homozygotes.

Submissions (2):

Ambry Genetics
Classification: Uncertain significance for Inborn genetic diseases. Last evaluated: 2022-06-29. Review status: criteria provided, single submitter. Criteria: Ambry Variant Classification Scheme 2023. Collection method: clinical testing. Allele origin: germline.

Labcorp Genetics (formerly Invitae), Labcorp
Classification: Uncertain significance. Last evaluated: 2022-01-12. Review status: criteria provided, single submitter. Criteria: Invitae Variant Classification Sherloc (09022015). Collection method: clinical testing. Allele origin: germline.
Comment: This sequence change replaces valine, which is neutral and non-polar, with isoleucine, which is neutral and non-polar, at codon 174 of the SDR9C7 protein (p.Val174Ile). This variant is present in population databases (rs142957654, gnomAD 0.05%). This variant has not been reported in the literature in individuals affected with SDR9C7-related conditions. Algorithms developed to predict the effect of missense changes on protein structure and function output the following: SIFT: "Tolerated"; PolyPhen-2: "Benign"; Align-GVGD: "Class C0". The isoleucine amino acid residue is found in multiple mammalian species, which suggests that this missense change does not adversely affect protein function. In summary, the available evidence is currently insufficient to determine the role of this variant in disease. Therefore, it has been classified as a Variant of Uncertain Significance.

NM_148897.3(SDR9C7):c.520G>A (p.Val174Ile)

Gene: SDR9C7 (short chain dehydrogenase/reductase family 9C member 7; minus strand). Cytogenetic location: 12q13.3.
Variant type: single nucleotide variant.
Coding change: c.520G>A on transcript NM_148897.3 (MANE Select); coding-DNA position 520, G replaced by A.
Protein change: p.Val174Ile; replaces valine 174 with isoleucine.
Molecular consequence: missense variant.
Genome position (GRCh38, 1-based): chr12:56,930,266, C>T on the plus strand (G>A on the coding strand, the complement: SDR9C7 is on the minus strand). VCF-style: chr12-56930266-C-T. GRCh37 (hg19) VCF-style: chr12-57324050-C-T.
Other names: c.520G>A (NM_148897.2); short protein forms V174I.
Identifiers: ClinVar variation 2200739 (VCV002200739.4), dbSNP rs142957654, ClinGen allele CA6638148.
Genomic context (GRCh38, chr12:56,930,266, plus strand): 5'-CAGTACCAGGGCCCAGTTACCTTATGCTGTCAGAGAAGGCCTCAACGCCAAACTTGGAGA[C>T]GCAGTAGCCACCACCAATGACAGCCACACGACCACCAGAGCTGGACATGTTGACAACCCT-3'
Protein context (NP_683695.1, residues 164-184): RVAVIGGGYC[Val174Ile]SKFGVEAFSD